The following is an entry in ClinVar:

ClinVar aggregate classification (germline): Pathogenic (1 of 4 stars; one submission).

Submission:

Labcorp Genetics (formerly Invitae), Labcorp
Classification: Pathogenic. Last evaluated: 2025-09-14. Review status: criteria provided, single submitter. Criteria: Invitae Variant Classification Sherloc (09022015). Collection method: clinical testing. Allele origin: germline.
Comment: This sequence change creates a premature translational stop signal (p.Arg375Serfs*20) in the ATP6V1B1 gene. It is expected to result in an absent or disrupted protein product. Loss-of-function variants in ATP6V1B1 are known to be pathogenic (PMID: 9916796, 18368028). This variant is not present in population databases (gnomAD no frequency). This variant has not been reported in the literature in individuals affected with ATP6V1B1-related conditions. For these reasons, this variant has been classified as Pathogenic.

Literature cited by the submitters: PubMed 9916796; PubMed 18368028.

NM_001692.4(ATP6V1B1):c.1125_1128del (p.Arg375fs)

Gene: ATP6V1B1 (ATPase H+ transporting V1 subunit B1; plus strand). Cytogenetic location: 2p13.3.
Variant type: Microsatellite.
Coding change: c.1125_1128del on transcript NM_001692.4 (MANE Select); coding-DNA positions 1125 to 1128, 4 bases deleted (ACAG; older notation c.1125_1128delACAG).
Protein change: p.Arg375fs; shifts the reading frame from arginine 375.
Molecular consequence: frameshift variant.
Genome position (GRCh38, 1-based): chr2:70,963,636-70,963,639, ACAG deleted; deleting any 4 consecutive bases within chr2:70,963,631-70,963,639 gives the same sequence; the c. name uses the placement nearest the transcript's 3' end. VCF-style (leftmost placement, unchanged base first): chr2-70963630-GGACA-G. GRCh37 (hg19) VCF-style: chr2-71190760-GGACA-G.
Other names: short protein forms R375fs.
Identifiers: ClinVar variation 4727176 (VCV004727176.1).